The following is an entry in ClinVar:

NM_001195263.2(PDZD7):c.1320G>C (p.Leu440Phe)

Gene: PDZD7 (PDZ domain containing 7; minus strand). Cytogenetic location: 10q24.31.
Variant type: single nucleotide variant.
Coding change: c.1320G>C on transcript NM_001195263.2 (MANE Select); coding-DNA position 1320, G replaced by C.
Protein change: p.Leu440Phe; replaces leucine 440 with phenylalanine.
Molecular consequence: missense variant.
Genome position (GRCh38, 1-based): chr10:101,018,826, C>G on the plus strand (G>C on the coding strand, the complement: PDZD7 is on the minus strand). VCF-style: chr10-101018826-C-G. GRCh37 (hg19) VCF-style: chr10-102778583-C-G.
Other names: c.1320G>C, p.Leu440Phe (NM_001351044.2, NM_024895.5); short protein forms L440F.
Identifiers: ClinVar variation 2781076 (VCV002781076.3), dbSNP rs2492881257, ClinGen allele CA378228314.
Genomic context (GRCh38, chr10:101,018,826, plus strand): 5'-ACAGGTTTTGGACCAGAGGCTGTGGAGGGAGCAGCCGCCACCCATCCCCCACGTACCCCA[C>G]AAGGTCAGATAGCTCTGGGAGCGCGTGATGGGGGGCCGGGGTCGGCTGAGGGCCAGCAGC-3'
Protein context (NP_001182192.1, residues 430-450): PITRSQSYLT[Leu440Phe]WEEKQQRKKE

ClinVar aggregate classification (germline): Uncertain significance (1 of 4 stars; one submission).

Submission:

Labcorp Genetics (formerly Invitae), Labcorp
Classification: Uncertain significance. Last evaluated: 2023-04-16. Review status: criteria provided, single submitter. Criteria: Invitae Variant Classification Sherloc (09022015). Collection method: clinical testing. Allele origin: germline.
Comment: In summary, the available evidence is currently insufficient to determine the role of this variant in disease. Therefore, it has been classified as a Variant of Uncertain Significance. Advanced modeling of protein sequence and biophysical properties (such as structural, functional, and spatial information, amino acid conservation, physicochemical variation, residue mobility, and thermodynamic stability) performed at Invitae indicates that this missense variant is not expected to disrupt PDZD7 protein function. This variant has not been reported in the literature in individuals affected with PDZD7-related conditions. This variant is not present in population databases (gnomAD no frequency). This sequence change replaces leucine, which is neutral and non-polar, with phenylalanine, which is neutral and non-polar, at codon 440 of the PDZD7 protein (p.Leu440Phe).